The following is an entry in ClinVar:

NM_001101362.3(KBTBD13):c.843C>T (p.Ala281=)

Gene: KBTBD13 (kelch repeat and BTB domain containing 13; plus strand). Cytogenetic location: 15q22.31.
Variant type: single nucleotide variant.
Coding change: c.843C>T on transcript NM_001101362.3 (MANE Select); coding-DNA position 843, C replaced by T.
Protein change: p.Ala281=; no amino-acid change (alanine 281 retained).
Molecular consequence: synonymous variant.
Genome position (GRCh38, 1-based): chr15:65,077,658, C>T. VCF-style: chr15-65077658-C-T. GRCh37 (hg19) VCF-style: chr15-65369996-C-T.
Identifiers: ClinVar variation 2006240 (VCV002006240.4), dbSNP rs2086997097, ClinGen allele CA490899293.
Genomic context (GRCh38, chr15:65,077,658, plus strand): 5'-CGCCATCGGCGGCGAATTCCAGAGGACGCCCATCAGCTCCGTGGAGCGCTACGACCCAGC[C>T]GCGGGCTGCTGGAGTTTCGTGGCCGACCTGCCGCAGCCGGCCGCCGGCGTGCCCTGCGCC-3'
Protein context (NP_001094832.1, residues 271-291): PISSVERYDP[Ala281=]AGCWSFVADL

ClinVar aggregate classification (germline): Uncertain significance (1 of 4 stars; one submission).

Conditions:
Nemaline myopathy 6 (NEM6). Also called: Nemaline myopathy 6, autosomal dominant. Identifiers: Orphanet 171439, MedGen C1836472, MONDO:0012237, OMIM 609273.

Allele frequency attached by ClinVar (database versions not stated): gnomAD 0.00001.

Submission:

Labcorp Genetics (formerly Invitae), Labcorp
Classification: Uncertain significance for Nemaline myopathy 6. Last evaluated: 2022-10-25. Review status: criteria provided, single submitter. Criteria: Invitae Variant Classification Sherloc (09022015). Collection method: clinical testing. Allele origin: germline.
Comment: This variant is not present in population databases (gnomAD no frequency). In summary, the available evidence is currently insufficient to determine the role of this variant in disease. Therefore, it has been classified as a Variant of Uncertain Significance. This variant has not been reported in the literature in individuals affected with KBTBD13-related conditions. This sequence change affects codon 281 of the KBTBD13 mRNA. It is a 'silent' change, meaning that it does not change the encoded amino acid sequence of the KBTBD13 protein.